The following is an entry in ClinVar:

ClinVar aggregate classification (germline): Uncertain significance (1 of 4 stars; one submission).

Conditions:
Congenital hyperammonemia, type I. Also called: Carbamoyl phosphate synthetase 1 deficiency; Hyperammonemia due to carbamoyl phosphate synthetase 1 deficiency; CPS 1 deficiency; Carbamyl phosphate synthetase (CPS) deficiency; Carbamoyl phosphate synthetase I deficiency disease; CPS I DEFICIENCY. Identifiers: Orphanet 147, MedGen C4082171, MONDO:0009376, OMIM 237300.

Allele frequency attached by ClinVar (database versions not stated): ExAC 0.00001; gnomAD 0.00001; gnomAD exomes 0.00002; TOPMed 0.00002.
gnomAD v4.1: 35 of 1,611,914 alleles (0.0022%); highest among the groups gnomAD compares: Non-Finnish European, 0.0028%; no homozygotes.

Submission:

Labcorp Genetics (formerly Invitae), Labcorp
Classification: Uncertain significance for Congenital hyperammonemia, type I. Last evaluated: 2022-10-24. Review status: criteria provided, single submitter. Criteria: Invitae Variant Classification Sherloc (09022015). Collection method: clinical testing. Allele origin: germline.
Comment: This sequence change replaces phenylalanine, which is neutral and non-polar, with isoleucine, which is neutral and non-polar, at codon 565 of the CPS1 protein (p.Phe565Ile). This variant is present in population databases (rs773713162, gnomAD 0.004%). This variant has not been reported in the literature in individuals affected with CPS1-related conditions. ClinVar contains an entry for this variant (Variation ID: 658030). Advanced modeling of protein sequence and biophysical properties (such as structural, functional, and spatial information, amino acid conservation, physicochemical variation, residue mobility, and thermodynamic stability) performed at Invitae indicates that this missense variant is not expected to disrupt CPS1 protein function. In summary, the available evidence is currently insufficient to determine the role of this variant in disease. Therefore, it has been classified as a Variant of Uncertain Significance.

NM_001875.5(CPS1):c.1693T>A (p.Phe565Ile)

Gene: CPS1 (carbamoyl-phosphate synthase 1; plus strand). Cytogenetic location: 2q34.
Variant type: single nucleotide variant.
Coding change: c.1693T>A on transcript NM_001875.5 (MANE Select); coding-DNA position 1693, T replaced by A.
Protein change: p.Phe565Ile; replaces phenylalanine 565 with isoleucine.
Molecular consequence: missense variant. On other transcripts: non-coding transcript variant (2).
Genome position (GRCh38, 1-based): chr2:210,600,698, T>A. VCF-style: chr2-210600698-T-A. GRCh37 (hg19) VCF-style: chr2-211465422-T-A.
Other names: c.1693T>A (LRG_336t1); c.1693T>A, p.Phe565Ile (NM_001122633.3, NM_001369257.1); c.1726T>A, p.Phe576Ile (NM_001369256.1); short protein forms F565I, F576I.
Identifiers: ClinVar variation 658030 (VCV000658030.5), dbSNP rs773713162, ClinGen allele CA2086423.